The following is an entry in ClinVar:

NM_004064.5(CDKN1B):c.216dup (p.Lys73fs)

Gene: CDKN1B (cyclin dependent kinase inhibitor 1B; plus strand). Cytogenetic location: 12p13.1.
Variant type: Duplication.
Coding change: c.216dup on transcript NM_004064.5 (MANE Select); coding-DNA position 216, one base duplicated (C; older notation c.216dupC).
Protein change: p.Lys73fs; shifts the reading frame from lysine 73.
Molecular consequence: frameshift variant.
Genome position (GRCh38, 1-based): chr12:12,718,055, C duplicated. VCF-style (leftmost placement, unchanged base first): chr12-12718054-G-GC. GRCh37 (hg19) VCF-style: chr12-12870988-G-GC.
Other names: short protein forms K73fs.
Identifiers: ClinVar variation 2444896 (VCV002444896.1), dbSNP rs2482987488, ClinGen allele CA2580085182.

ClinVar aggregate classification (germline): Uncertain significance (1 of 4 stars; one submission).

Conditions:
Multiple endocrine neoplasia type 4. Also called: MULTIPLE ENDOCRINE NEOPLASIA, TYPE IV. Identifiers: Orphanet 276152, MedGen C1970712, MONDO:0012552, OMIM 610755.

Submission:

St. Jude Molecular Pathology, St. Jude Children's Research Hospital
Classification: Uncertain significance for Multiple endocrine neoplasia type 4. Last evaluated: 2022-11-04. Review status: criteria provided, single submitter. Criteria: St. Jude Assertion Criteria 2020. Collection method: clinical testing. Allele origin: germline.
Comment: The CDKN1B c.216dup (p.Lys73GlnfsTer52) change is a single nucleotide duplication that causes a frameshift and the creation of a premature stop codon. This change is predicted to cause protein truncation or absence of protein due to nonsense mediated decay. It is absent in gnomAD v2.1.1. To our knowledge, this variant has not been reported in individuals with multiple endocrine neoplasia type 4, however downstream loss of function variants in CDKN1B have been reported in affected individuals (PMID: 25416039, 32052251). In summary, this variant meets criteria to be classified as pathogenic.